The following is an entry in ClinVar:

NM_001330588.2(TPP2):c.3400G>A (p.Val1134Ile)

Gene: TPP2 (tripeptidyl peptidase 2; plus strand). Cytogenetic location: 13q33.1.
Variant type: single nucleotide variant.
Coding change: c.3400G>A on transcript NM_001330588.2 (MANE Select); coding-DNA position 3400, G replaced by A.
Protein change: p.Val1134Ile; replaces valine 1134 with isoleucine.
Molecular consequence: missense variant. On other transcripts: non-coding transcript variant (1).
Genome position (GRCh38, 1-based): chr13:102,674,311, G>A. VCF-style: chr13-102674311-G-A. GRCh37 (hg19) VCF-style: chr13-103326661-G-A.
Other names: c.3487G>A, p.Val1163Ile (NM_001367947.1); c.3361G>A, p.Val1121Ile (NM_003291.4); short protein forms V1134I, V1121I, V1163I.
Identifiers: ClinVar variation 1401696 (VCV001401696.5), dbSNP rs375137754, ClinGen allele CA7038271.
Genomic context (GRCh38, chr13:102,674,311, plus strand): 5'-ATATCTGAAATATTTTTTAATTTGCTGTACAGTGACATGGACAAACAAAAATCCACCCTC[G>A]TAGATGCCCTTTGTAGGAAAGGTTGTGCCCTGGCAGACCATCTTCTTCACACCCAGGCTC-3'
Protein context (NP_001317517.1, residues 1124-1144): NDMDKQKSTL[Val1134Ile]DALCRKGCAL

ClinVar aggregate classification (germline): Uncertain significance (1 of 4 stars; one submission).

Conditions:
Evans syndrome, immunodeficiency, and premature immunosenescence associated with tripeptidyl-peptidase II deficiency. Identifiers: MedGen CN231723. Disease mechanism: loss of function.

Allele frequency attached by ClinVar (database versions not stated): ExAC 0.00002; gnomAD exomes 0.00002; gnomAD 0.00003 and 0.00004; TOPMed 0.00003; ESP Exome Variant Server 0.00008.
gnomAD v4.1: 28 of 1,613,482 alleles (0.0017%); highest among the groups gnomAD compares: African/African-American, 0.0067%; no homozygotes.

Submission:

Labcorp Genetics (formerly Invitae), Labcorp
Classification: Uncertain significance for Evans syndrome, immunodeficiency, and premature immunosenescence associated with tripeptidyl-peptidase II deficiency. Last evaluated: 2024-10-21. Review status: criteria provided, single submitter. Criteria: Invitae Variant Classification Sherloc (09022015). Collection method: clinical testing. Allele origin: germline.
Comment: This sequence change replaces valine, which is neutral and non-polar, with isoleucine, which is neutral and non-polar, at codon 1121 of the TPP2 protein (p.Val1121Ile). This variant is present in population databases (rs375137754, gnomAD 0.009%). This variant has not been reported in the literature in individuals affected with TPP2-related conditions. ClinVar contains an entry for this variant (Variation ID: 1401696). An algorithm developed to predict the effect of missense changes on protein structure and function outputs the following: PolyPhen-2: "Benign". The isoleucine amino acid residue is found in multiple mammalian species, which suggests that this missense change does not adversely affect protein function. In summary, the available evidence is currently insufficient to determine the role of this variant in disease. Therefore, it has been classified as a Variant of Uncertain Significance.